The following is an entry in ClinVar:

NM_000070.3(CAPN3):c.746dup (p.Tyr249Ter)

Gene: CAPN3 (calpain 3; plus strand). Cytogenetic location: 15q15.1.
Variant type: Duplication.
Coding change: c.746dup on transcript NM_000070.3 (MANE Select); coding-DNA position 746, one base duplicated (A; older notation c.746dupA).
Protein change: p.Tyr249Ter; replaces tyrosine 249 with a stop codon.
Molecular consequence: nonsense. On other transcripts: frameshift variant (1).
Genome position (GRCh38, 1-based): chr15:42,389,041, A duplicated. VCF-style (leftmost placement, unchanged base first): chr15-42389040-T-TA. GRCh37 (hg19) VCF-style: chr15-42681238-T-TA.
Other names: c.746dup, p.Tyr249Ter (NM_024344.2, NM_173087.2); c.485dup, p.Tyr162Terfs (NM_212464.2); c.*439dup (NM_212467.2); short protein forms Y249*.
Identifiers: ClinVar variation 2702508 (VCV002702508.3), dbSNP rs2548260516, ClinGen allele CA2697554369.

ClinVar aggregate classification (germline): Pathogenic (1 of 4 stars; one submission).

Conditions:
Autosomal recessive limb-girdle muscular dystrophy type 2A (LGMDR1). Also called: Calpainopathy; LEYDEN-MOEBIUS MUSCULAR DYSTROPHY; MUSCULAR DYSTROPHY, PELVOFEMORAL; Limb-girdle muscular dystrophy, type 2A; Muscular dystrophy, limb-girdle, type 2A, Amish. Identifiers: Orphanet 267, MedGen C1869123, MONDO:0009675, OMIM 253600. Disease mechanism: loss of function.

Submission:

Labcorp Genetics (formerly Invitae), Labcorp
Classification: Pathogenic for Autosomal recessive limb-girdle muscular dystrophy type 2A. Last evaluated: 2023-12-12. Review status: criteria provided, single submitter. Criteria: Invitae Variant Classification Sherloc (09022015). Collection method: clinical testing. Allele origin: germline.
Comment: This sequence change creates a premature translational stop signal (p.Tyr249*) in the CAPN3 gene. It is expected to result in an absent or disrupted protein product. Loss-of-function variants in CAPN3 are known to be pathogenic (PMID: 10330340, 15689361). This variant is not present in population databases (gnomAD no frequency). This premature translational stop signal has been observed in individual(s) with limb-girdle muscular dystrophy (PMID: 35169782). For these reasons, this variant has been classified as Pathogenic.

Literature cited by the submitters: PubMed 10330340; PubMed 15689361; PubMed 35169782.